The following is an entry in ClinVar:

ClinVar aggregate classification (germline): Likely benign. Review status: criteria provided, single submitter (1 of 4 stars). 2 submissions from 2 submitters: Likely benign (1). 1 of the submissions does not count toward it. Last evaluated 2023-08-10.

Conditions:
CLPB-related disorder. Also called: CLPB-related condition.
3-methylglutaconic aciduria, type VIIB (MGCA7B). Also called: CLPB Deficiency; 3-methylglutaconic aciduria with cataracts, neurologic involvement and neutropenia; 3-methylglutaconic aciduria, type VII, with cataracts, neurologic involvement and neutropenia. Identifiers: Orphanet 445038, MedGen C5676893, MONDO:0014561, OMIM 616271.

Allele frequency attached by ClinVar (database versions not stated): gnomAD 0.00001; TOPMed 0.00001.
gnomAD v4.1: 53 of 1,613,774 alleles (0.0033%); highest among the groups gnomAD compares: Non-Finnish European, 0.0041%; no homozygotes.

Submissions (2):

Labcorp Genetics (formerly Invitae), Labcorp
Classification: Likely benign for 3-methylglutaconic aciduria, type VIIB. Last evaluated: 2023-08-10. Review status: criteria provided, single submitter. Criteria: Invitae Variant Classification Sherloc (09022015). Collection method: clinical testing. Allele origin: germline.

PreventionGenetics, part of Exact Sciences
Classification: Likely benign for CLPB-related condition. Last evaluated: 2020-01-24. Review status: no assertion criteria provided. Collection method: clinical testing. Allele origin: germline. Not counted in ClinVar's aggregate classification.
Comment: This variant is classified as likely benign based on ACMG/AMP sequence variant interpretation guidelines (Richards et al. 2015 PMID: 25741868, with internal and published modifications).

NM_001258392.3(CLPB):c.531C>T (p.Asn177=)

Gene: CLPB (ClpB family mitochondrial disaggregase; minus strand). Cytogenetic location: 11q13.4.
Variant type: single nucleotide variant.
Coding change: c.531C>T on transcript NM_001258392.3 (MANE Select); coding-DNA position 531, C replaced by T.
Protein change: p.Asn177=; no amino-acid change (asparagine 177 retained).
Molecular consequence: synonymous variant. On other transcripts: intron variant (1).
Genome position (GRCh38, 1-based): chr11:72,402,977, G>A on the plus strand (C>T on the coding strand, the complement: CLPB is on the minus strand). VCF-style: chr11-72402977-G-A. GRCh37 (hg19) VCF-style: chr11-72114021-G-A.
Other names: c.396C>T, p.Asn132= (NM_001258394.3); c.531C>T, p.Asn177= (NM_030813.6); c.456-22593C>T (NM_001258393.3).
Identifiers: ClinVar variation 714960 (VCV000714960.11), dbSNP rs771786059, ClinGen allele CA224498027.
Genomic context (GRCh38, chr11:72,402,977, plus strand): 5'-TCTGCAGAGATCTGCCTAAAGGAGCCCTGTGTGGAAGGTGGTCTCTCACCTGTTGTTTCG[G>A]TTGATGGCTGCCACCATGAGTGCTGTCCAGCCAAGTCTGTGCTTTGCATTGACATCTGCA-3'
Protein context (NP_001245321.1, residues 167-187): GWTALMVAAI[Asn177=]RNNSVVQVLL